The following is an entry in ClinVar:

ClinVar aggregate classification (germline): Likely benign (1 of 4 stars; one submission).

Conditions:
Aortic aneurysm, familial thoracic 7 (AAT7). Also called: AORTIC DISSECTION, FAMILIAL, WITH OR WITHOUT AORTIC ANEURYSM. Identifiers: MedGen C3151077, MONDO:0013418, OMIM 613780.

Allele frequency attached by ClinVar (database versions not stated): gnomAD 0.00436 and 0.00460; TOPMed 0.00524; 1000 Genomes Project 30x 0.00562; 1000 Genomes Project 0.00599.

Submissions (2):

Illumina Laboratory Services, Illumina
Classification: Likely benign for Aortic aneurysm, familial thoracic 7. Last evaluated: 2018-01-12. Review status: criteria provided, single submitter. Criteria: ICSL Variant Classification Criteria 13 December 2019. Collection method: clinical testing. Allele origin: germline.
Comment: This variant was observed in the ICSL laboratory as part of a predisposition screen in an ostensibly healthy population. It had not been previously curated by ICSL or reported in the Human Gene Mutation Database (HGMD: prior to June 1st, 2018), and was therefore a candidate for classification through an automated scoring system. Utilizing variant allele frequency, disease prevalence and penetrance estimates, and inheritance mode, an automated score was calculated to assess if this variant is too frequent to cause the disease. Based on the score and internal cut-off values, a variant classified as likely benign is not then subjected to further curation. The score for this variant resulted in a classification of likely benign for this disease.

Dr. Peter K. Rogan Lab, Western University
No classification provided (evidence only). Condition: Ovarian serous cystadenocarcinoma. Review status: no classification provided. Collection method: in vitro. Allele origin: not applicable. Functional consequence: retained intron. Not counted in ClinVar's aggregate classification.

NM_053025.4(MYLK):c.*1090A>G

Genes: MYLK (myosin light chain kinase; minus strand), MYLK-AS1 (MYLK antisense RNA 1; plus strand). Cytogenetic location: 3q21.1.
Variant type: single nucleotide variant.
Coding change: c.*1090A>G on transcript NM_053025.4 (MANE Select); 1090 bases downstream of the stop codon, A replaced by G.
Molecular consequence: 3 prime UTR variant.
Genome position (GRCh38, 1-based): chr3:123,613,015, T>C on the plus strand (A>G on the coding strand, the complement: MYLK is on the minus strand). VCF-style: chr3-123613015-T-C. GRCh37 (hg19) VCF-style: chr3-123331862-T-C.
Other names: NC_000003.11:g.123331862T>C; c.*1090A>G (NM_001321309.2, NM_053026.4, NM_053027.4 and 3 more transcripts).
Identifiers: ClinVar variation 899487 (VCV000899487.5), dbSNP rs139868162, ClinGen allele CA82936690.